The following is an entry in ClinVar:

NM_007254.4(PNKP):c.920_922del (p.Ser307del)

Gene: PNKP (polynucleotide kinase 3'-phosphatase; minus strand). Cytogenetic location: 19q13.33.
Variant type: Deletion.
Coding change: c.920_922del on transcript NM_007254.4 (MANE Select); coding-DNA positions 920 to 922, 3 bases deleted (CCT; older notation c.920_922delCCT).
Protein change: p.Ser307del; deletes serine 307.
Molecular consequence: inframe deletion.
Genome position (GRCh38, 1-based): chr19:49,862,552-49,862,554, AGG deleted on the plus strand (CCT on the coding strand, the reverse complement: PNKP is on the minus strand); deleting any 3 consecutive bases within chr19:49,862,552-49,862,556 gives the same sequence; the c. name uses the placement nearest the transcript's 3' end. VCF-style (leftmost placement, unchanged base first): chr19-49862551-CAGG-C. GRCh37 (hg19) VCF-style: chr19-50365808-CAGG-C.
Other names: c.920_922del (NM_007254.2); short protein forms S307del.
Identifiers: ClinVar variation 281734 (VCV000281734.11), dbSNP rs886042225, ClinGen allele CA10603959.
Genomic context (GRCh38, chr19:49,862,551, plus strand): 5'-CAGGCCAGGGTCGGGCTCGGGCGCGGGGCAGGGGGCAGGGGCCTCACCAGGCGATCGGCG[CAGG>C]AGAAGTCTTTCTTCTTCCGCCCCGGGGCCCAGTTGGCCGGGCGTCCGGCTGCGTCTGGAA-3'

ClinVar aggregate classification (germline): Uncertain significance. Review status: criteria provided, multiple submitters, no conflicts (2 of 4 stars). 4 submissions from 4 submitters: Uncertain significance (4). Last evaluated 2026-04-17.

Conditions:
Developmental and epileptic encephalopathy, 12 (DEE12). Identifiers: MedGen C3150988, MONDO:0013389, OMIM 613722.

Submissions (4):

GeneDx
Classification: Uncertain significance. Last evaluated: 2026-04-17. Review status: criteria provided, single submitter. Criteria: GeneDx Variant Classification Process June 2021. Collection method: clinical testing. Allele origin: germline.
Comment: Not observed at significant frequency in large population cohorts (gnomAD); In-frame deletion of 1 amino acid(s) in a non-repeat region; In silico analysis supports a deleterious effect on protein structure/function; Has not been previously published as pathogenic or benign to our knowledge; This variant is associated with the following publications: (PMID: 22508754)

Dasa
Classification: Uncertain significance. Last evaluated: 2026-01-12. Review status: criteria provided, single submitter. Criteria: DASA Assertion Criteria. Collection method: clinical testing. Allele origin: germline.
Comment: NM_007254.4(PNKP):c.920_922del (p.Ser307del) is an in-frame deletion predicted to remove serine at protein position 307 without shifting the reading frame. This variant is rare in population databases. The currently available literature and clinical evidence are not sufficient to establish a definitive association between this variant and the reported condition. Therefore, this variant is classified as a variant of uncertain significance.

Labcorp Genetics (formerly Invitae), Labcorp
Classification: Uncertain significance for Developmental and epileptic encephalopathy, 12. Last evaluated: 2023-12-22. Review status: criteria provided, single submitter. Criteria: Invitae Variant Classification Sherloc (09022015). Collection method: clinical testing. Allele origin: germline.
Comment: This variant, c.920_922del, results in the deletion of 1 amino acid(s) of the PNKP protein (p.Ser307del), but otherwise preserves the integrity of the reading frame. This variant is present in population databases (no rsID available, gnomAD 0.009%). This variant has not been reported in the literature in individuals affected with PNKP-related conditions. ClinVar contains an entry for this variant (Variation ID: 281734). Experimental studies and prediction algorithms are not available or were not evaluated, and the functional significance of this variant is currently unknown. In summary, the available evidence is currently insufficient to determine the role of this variant in disease. Therefore, it has been classified as a Variant of Uncertain Significance.

Eurofins Ntd Llc (ga)
Classification: Uncertain significance. Last evaluated: 2015-07-15. Review status: criteria provided, single submitter. Criteria: EGL Classification Definitions 2015. Collection method: clinical testing. Allele origin: germline. Observed: 1 variant allele, 1 heterozygote.